The following is an entry in ClinVar:

ClinVar aggregate classification (germline): Benign. Review status: criteria provided, multiple submitters, no conflicts (2 of 4 stars). 3 submissions from 3 submitters: Benign (2). 1 of the submissions does not count toward it. Last evaluated 2018-08-14.

Conditions:
MUC16-related disorder. Also called: MUC16-related condition.

Allele frequency attached by ClinVar (database versions not stated): 1000 Genomes Project 30x 0.02436; gnomAD 0.02175 and 0.02326; ExAC 0.00690; gnomAD exomes 0.00237 and 0.00570; 1000 Genomes Project 0.02276; ESP Exome Variant Server 0.02303; TOPMed 0.02468.

Submissions (3):

Labcorp Genetics (formerly Invitae), Labcorp
Classification: Benign. Last evaluated: 2018-08-14. Review status: criteria provided, single submitter. Criteria: Invitae Variant Classification Sherloc (09022015). Collection method: clinical testing. Allele origin: germline.

Breakthrough Genomics
Classification: Benign. Review status: criteria provided, single submitter. Criteria: ACMG Guidelines, 2015. Collection method: not provided. Allele origin: germline. Inheritance: Unknown mechanism. Affected: yes.

PreventionGenetics, part of Exact Sciences
Classification: Benign for MUC16-related condition. Last evaluated: 2019-10-01. Review status: no assertion criteria provided. Collection method: clinical testing. Allele origin: germline. Not counted in ClinVar's aggregate classification.
Comment: This variant is classified as benign based on ACMG/AMP sequence variant interpretation guidelines (Richards et al. 2015 PMID: 25741868, with internal and published modifications).

NM_001401501.2(MUC16):c.3885A>C (p.Ala1295=)

Gene: MUC16 (mucin 16, cell surface associated; minus strand). Cytogenetic location: 19p13.2.
Variant type: single nucleotide variant.
Coding change: c.3885A>C on transcript NM_001401501.2 (MANE Select); coding-DNA position 3885, A replaced by C.
Protein change: p.Ala1295=; no amino-acid change (alanine 1295 retained).
Molecular consequence: synonymous variant.
Genome position (GRCh38, 1-based): chr19:8,977,374, T>G on the plus strand (A>C on the coding strand, the complement: MUC16 is on the minus strand). VCF-style: chr19-8977374-T-G. GRCh37 (hg19) VCF-style: chr19-9088050-T-G.
Other names: c.4311A>C, p.Ala1437= (NM_001414686.1); c.3765A>C, p.Ala1255= (NM_001414687.1, NM_024690.2).
Identifiers: ClinVar variation 781435 (VCV000781435.6), dbSNP rs78027661, ClinGen allele CA9172951.